The following is an entry in ClinVar:

NM_024675.4(PALB2):c.603T>A (p.Ser201Arg)

Gene: PALB2 (partner and localizer of BRCA2; minus strand). Cytogenetic location: 16p12.2.
Variant type: single nucleotide variant.
Coding change: c.603T>A on transcript NM_024675.4 (MANE Select); coding-DNA position 603, T replaced by A.
Protein change: p.Ser201Arg; replaces serine 201 with arginine.
Molecular consequence: missense variant.
Genome position (GRCh38, 1-based): chr16:23,635,943, A>T on the plus strand (T>A on the coding strand, the complement: PALB2 is on the minus strand). VCF-style: chr16-23635943-A-T. GRCh37 (hg19) VCF-style: chr16-23647264-A-T.
Other names: short protein forms S201R.
Identifiers: ClinVar variation 482025 (VCV000482025.18), dbSNP rs769647912, ClinGen allele CA395136676.

ClinVar aggregate classification (germline): Uncertain significance. Review status: criteria provided, multiple submitters, no conflicts (2 of 4 stars). 4 submissions from 4 submitters: Uncertain significance (4). Last evaluated 2025-11-09.

Conditions:
Hereditary cancer-predisposing syndrome. Also called: Hereditary neoplastic syndrome; Neoplastic Syndromes, Hereditary; Tumor predisposition; Hereditary Cancer Syndrome. Identifiers: Orphanet 140162, MedGen C0027672, MeSH D009386, MONDO:0015356.
Pancreatic cancer, susceptibility to, 3. Identifiers: Orphanet 1333, MedGen C3150547, MONDO:0013236, OMIM 613348.
Familial cancer of breast. Also called: BREAST CANCER, FAMILIAL; Hereditary breast cancer; hereditary breast carcinoma. Identifiers: Orphanet 227535, MedGen C0346153, MONDO:0016419, OMIM 114480. Disease mechanism: loss of function.
Fanconi anemia complementation group N. Also called: PALB2-Related Fanconi Anemia. Identifiers: Orphanet 84, MedGen C1835817, MONDO:0012565, OMIM 610832. Disease mechanism: loss of function.

Allele frequency attached by ClinVar (database versions not stated): gnomAD exomes below 0.00001.
gnomAD v4.1: 1 of 1,614,170 alleles (0.000062%); highest among the groups gnomAD compares: African/African-American, 0.0013%; no homozygotes.

Submissions (4):

Labcorp Genetics (formerly Invitae), Labcorp
Classification: Uncertain significance for Familial cancer of breast. Last evaluated: 2025-11-09. Review status: criteria provided, single submitter. Criteria: Invitae Variant Classification Sherloc (09022015). Collection method: clinical testing. Allele origin: germline.
Comment: This sequence change replaces serine, which is neutral and polar, with arginine, which is basic and polar, at codon 201 of the PALB2 protein (p.Ser201Arg). This variant is not present in population databases (gnomAD no frequency). This variant has not been reported in the literature in individuals affected with PALB2-related conditions. ClinVar contains an entry for this variant (Variation ID: 482025). An algorithm developed to predict the effect of missense changes on protein structure and function outputs the following: PolyPhen-2: "Benign". The arginine amino acid residue is found in multiple mammalian species, which suggests that this missense change does not adversely affect protein function. In summary, the available evidence is currently insufficient to determine the role of this variant in disease. Therefore, it has been classified as a Variant of Uncertain Significance.

Ambry Genetics
Classification: Uncertain significance for Hereditary cancer-predisposing syndrome. Last evaluated: 2024-07-11. Review status: criteria provided, single submitter. Criteria: Ambry Variant Classification Scheme 2023. Collection method: clinical testing. Allele origin: germline.
Comment: The p.S201R variant (also known as c.603T>A), located in coding exon 4 of the PALB2 gene, results from a T to A substitution at nucleotide position 603. The serine at codon 201 is replaced by arginine, an amino acid with dissimilar properties. This amino acid position is not well conserved in available vertebrate species. In addition, this alteration is predicted to be tolerated by in silico analysis. Since supporting evidence is limited at this time, the clinical significance of this alteration remains unclear.

Women's Health and Genetics/Laboratory Corporation of America, LabCorp
Classification: Uncertain significance. Last evaluated: 2022-06-23. Review status: criteria provided, single submitter. Criteria: LabCorp Variant Classification Summary - May 2015. Collection method: clinical testing. Allele origin: germline.

Fulgent Genetics
Classification: Uncertain significance for Familial cancer of breast; Fanconi anemia complementation group N; Pancreatic cancer, susceptibility to, 3. Last evaluated: 2022-03-05. Review status: criteria provided, single submitter. Criteria: ACMG Guidelines, 2015. Collection method: clinical testing. Allele origin: unknown.